The following is an entry in ClinVar:

ClinVar aggregate classification (germline): Uncertain significance (1 of 4 stars; one submission).

Submission:

GeneDx
Classification: Uncertain significance. Last evaluated: 2025-06-11. Review status: criteria provided, single submitter. Criteria: GeneDx Variant Classification Process June 2021. Collection method: clinical testing. Allele origin: germline. Affected: yes.
Comment: Not observed at significant frequency in large population cohorts (gnomAD); Has not been previously published as pathogenic or benign to our knowledge; Nonsense variant predicted to result in protein truncation as the last 258 amino acid(s) are lost with an unclear effect on protein function

NM_138383.3(MTSS2):c.1468C>T (p.Gln490Ter)

Gene: MTSS2 (MTSS I-BAR domain containing 2; minus strand). Cytogenetic location: 16q22.1.
Variant type: single nucleotide variant.
Coding change: c.1468C>T on transcript NM_138383.3 (MANE Select); coding-DNA position 1468, C replaced by T.
Protein change: p.Gln490Ter; replaces glutamine 490 with a stop codon.
Molecular consequence: nonsense.
Genome position (GRCh38, 1-based): chr16:70,664,601, G>A on the plus strand (C>T on the coding strand, the complement: MTSS2 is on the minus strand). VCF-style: chr16-70664601-G-A. GRCh37 (hg19) VCF-style: chr16-70698504-G-A.
Other names: short protein forms Q490*.
Identifiers: ClinVar variation 4537616 (VCV004537616.1).